The following is an entry in ClinVar:

ClinVar aggregate classification (germline): Conflicting classifications of pathogenicity. Review status: criteria provided, conflicting classifications (1 of 4 stars). 2 submissions from 2 submitters: Uncertain significance (1); Likely benign (1). Last evaluated 2026-02-19.

Conditions:
Arrhythmogenic right ventricular dysplasia 8 (ARVD8). Also called: ARRHYTHMOGENIC RIGHT VENTRICULAR DYSPLASIA, FAMILIAL, 8; ARRHYTHMOGENIC RIGHT VENTRICULAR CARDIOMYOPATHY 8; Arrhythmogenic Right Ventricular Dysplasia/Cardiomyopathy 8. Identifiers: MedGen C1843896, MONDO:0011831, OMIM 607450.
Arrhythmogenic cardiomyopathy with wooly hair and keratoderma. Also called: Carvajal syndrome; Dilated cardiomyopathy with woolly hair and keratoderma; Arrhythmogenic cardiomyopathy with woolly hair and keratoderma; PALMOPLANTAR KERATODERMA WITH LEFT VENTRICULAR CARDIOMYOPATHY AND WOOLLY HAIR. Identifiers: Orphanet 65282, MedGen C1854063, MONDO:0011581, OMIM 605676.

Allele frequency attached by ClinVar (database versions not stated): gnomAD exomes below 0.00001; ExAC 0.00001.
gnomAD v4.1: 3 of 1,614,116 alleles (0.00019%); highest among the groups gnomAD compares: South Asian, 0.0022%; no homozygotes.

Submissions (2):

GeneDx
Classification: Uncertain significance. Last evaluated: 2026-02-19. Review status: criteria provided, single submitter. Criteria: GeneDx Variant Classification Process June 2021. Collection method: clinical testing. Allele origin: germline.
Comment: Not observed at significant frequency in large population cohorts (gnomAD); In silico analysis supports that this missense variant has a deleterious effect on protein structure/function; Has not been previously published as pathogenic or benign to our knowledge

Labcorp Genetics (formerly Invitae), Labcorp
Classification: Likely benign for Arrhythmogenic cardiomyopathy with wooly hair and keratoderma; Arrhythmogenic right ventricular dysplasia 8. Last evaluated: 2022-08-18. Review status: criteria provided, single submitter. Criteria: Invitae Variant Classification Sherloc (09022015). Collection method: clinical testing. Allele origin: germline.

NM_004415.4(DSP):c.4790A>C (p.Glu1597Ala)

Gene: DSP (desmoplakin; plus strand). Cytogenetic location: 6p24.3.
Variant type: single nucleotide variant.
Coding change: c.4790A>C on transcript NM_004415.4 (MANE Select); coding-DNA position 4790, A replaced by C.
Protein change: p.Glu1597Ala; replaces glutamic acid 1597 with alanine.
Molecular consequence: missense variant. On other transcripts: intron variant (2).
Genome position (GRCh38, 1-based): chr6:7,580,980, A>C. VCF-style: chr6-7580980-A-C. GRCh37 (hg19) VCF-style: chr6-7581213-A-C.
Other names: c.4050+740A>C (NM_001319034.2); c.3582+1208A>C (NM_001008844.3); short protein forms E1597A.
Identifiers: ClinVar variation 2022090 (VCV002022090.5), dbSNP rs752587486, ClinGen allele CA042869.
Genomic context (GRCh38, chr6:7,580,980, plus strand): 5'-TGAATCGGCTGAAGAGGACCGCGTCAGAAGACTCCTGCAAGAGGAAGAAGCTGGAGGAAG[A>C]GCTGGAAGGCATGAGGAGGTCGCTGAAGGAGCAAGCCATCAAAATCACCAACCTGACCCA-3'
Protein context (NP_004406.2, residues 1587-1607): DSCKRKKLEE[Glu1597Ala]LEGMRRSLKE